The following is an entry in ClinVar:

NM_001605.3(AARS1):c.448C>G (p.Leu150Val)

Gene: AARS1 (alanyl-tRNA synthetase 1; minus strand). Cytogenetic location: 16q22.1.
Variant type: single nucleotide variant.
Coding change: c.448C>G on transcript NM_001605.3 (MANE Select); coding-DNA position 448, C replaced by G.
Protein change: p.Leu150Val; replaces leucine 150 with valine.
Molecular consequence: missense variant.
Genome position (GRCh38, 1-based): chr16:70,276,517, G>C on the plus strand (C>G on the coding strand, the complement: AARS1 is on the minus strand). VCF-style: chr16-70276517-G-C. GRCh37 (hg19) VCF-style: chr16-70310420-G-C.
Other names: short protein forms L150V.
Identifiers: ClinVar variation 4810704 (VCV004810704.1).
Genomic context (GRCh38, chr16:70,276,517, plus strand): 5'-TACTCTCAAGAAGTGATGTGCATTCTTACCCCAAATTTTGCCAGATCTGTTTGCATTCCA[G>C]ATCTGCTTCTAAGCCAGCTGCTTCATCCCCGCCAAAGTAAGTAACATAAAGTCTTTCAAT-3'
Protein context (NP_001596.2, residues 140-160): GDEAAGLEAD[Leu150Val]ECKQIWQNLG

ClinVar aggregate classification (germline): Uncertain significance (1 of 4 stars; one submission).

Conditions:
Charcot-Marie-Tooth disease type 2. Also called: Charcot-Marie-Tooth type 2. Identifiers: Orphanet 64746, MedGen C0270914, MONDO:0018993.

gnomAD v4.1: 2 of 1,614,084 alleles (0.00012%); highest among the groups gnomAD compares: East Asian, 0.0022%; no homozygotes.

Submission:

Labcorp Genetics (formerly Invitae), Labcorp
Classification: Uncertain significance for Charcot-Marie-Tooth disease type 2. Last evaluated: 2025-05-19. Review status: criteria provided, single submitter. Criteria: Invitae Variant Classification Sherloc (09022015). Collection method: clinical testing. Allele origin: germline.
Comment: This sequence change replaces leucine, which is neutral and non-polar, with valine, which is neutral and non-polar, at codon 150 of the AARS protein (p.Leu150Val). This variant is not present in population databases (gnomAD no frequency). This variant has not been reported in the literature in individuals affected with AARS-related conditions. An algorithm developed to predict the effect of missense changes on protein structure and function (PolyPhen-2) suggests that this variant is likely to be disruptive. In summary, the available evidence is currently insufficient to determine the role of this variant in disease. Therefore, it has been classified as a Variant of Uncertain Significance.